The following is an entry in ClinVar:

ClinVar aggregate classification (germline): Benign (1 of 4 stars; one submission).

Allele frequency attached by ClinVar (database versions not stated): gnomAD 0.57190 and 0.57650; TOPMed 0.58118; 1000 Genomes Project 30x 0.64538; 1000 Genomes Project 0.65276.

Submission:

GeneDx
Classification: Benign. Last evaluated: 2018-11-12. Review status: criteria provided, single submitter. Criteria: GeneDx Variant Classification Process June 2021. Collection method: clinical testing. Allele origin: germline. Affected: yes.
Comment: This variant is associated with the following publications: (PMID: 12915441, 18810583)

NC_000011.10:g.102843985C>G

Gene: MMP3 (matrix metallopeptidase 3; minus strand). Cytogenetic location: 11q22.2.
Variant type: single nucleotide variant.
Genome position: GRCh38 VCF-style: chr11-102843985-C-G. GRCh37 (hg19) VCF-style: chr11-102714716-C-G.
Identifiers: ClinVar variation 1222602 (VCV001222602.4), dbSNP rs617819, ClinGen allele CA227347780.